The following is an entry in ClinVar:

ClinVar aggregate classification (germline): Uncertain significance (1 of 4 stars; one submission).

Submission:

Ambry Genetics
Classification: Uncertain significance. Last evaluated: 2023-12-15. Review status: criteria provided, single submitter. Criteria: Ambry Variant Classification Scheme 2023. Collection method: clinical testing. Allele origin: germline.
Comment: The p.P981R variant (also known as c.2942C>G), located in coding exon 23 of the BUB1 gene, results from a C to G substitution at nucleotide position 2942. The proline at codon 981 is replaced by arginine, an amino acid with dissimilar properties. This amino acid position is conserved. In addition, this alteration is predicted to be deleterious by in silico analysis. Since supporting evidence is limited at this time, the clinical significance of this alteration remains unclear.

NM_004336.5(BUB1):c.2942C>G (p.Pro981Arg)

Gene: BUB1 (BUB1 mitotic checkpoint serine/threonine kinase; minus strand). Cytogenetic location: 2q13.
Variant type: single nucleotide variant.
Coding change: c.2942C>G on transcript NM_004336.5 (MANE Select); coding-DNA position 2942, C replaced by G.
Protein change: p.Pro981Arg; replaces proline 981 with arginine.
Molecular consequence: missense variant.
Genome position (GRCh38, 1-based): chr2:110,641,047, G>C on the plus strand (C>G on the coding strand, the complement: BUB1 is on the minus strand). VCF-style: chr2-110641047-G-C. GRCh37 (hg19) VCF-style: chr2-111398624-G-C.
Other names: c.2882C>G, p.Pro961Arg (NM_001278616.2); c.2771C>G, p.Pro924Arg (NM_001278617.2); short protein forms P924R, P961R, P981R.
Identifiers: ClinVar variation 3224073 (VCV003224073.1), dbSNP rs2467970010, ClinGen allele CA348088950.